The following is an entry in ClinVar:

NM_001283009.2(RTEL1):c.477+35C>T

Genes: RTEL1 (regulator of telomere elongation helicase 1; plus strand), RTEL1-TNFRSF6B (RTEL1-TNFRSF6B readthrough (NMD candidate); plus strand). Cytogenetic location: 20q13.33.
Variant type: single nucleotide variant.
Coding change: c.477+35C>T on transcript NM_001283009.2 (MANE Select); 35 bases into the intron after coding-DNA position 477, C replaced by T.
Molecular consequence: intron variant.
Genome position (GRCh38, 1-based): chr20:63,662,662, C>T. VCF-style: chr20-63662662-C-T. GRCh37 (hg19) VCF-style: chr20-62294015-C-T.
Other names: c.-193+35C>T (NM_001283010.1); c.549+35C>T (NM_032957.5); c.477+35C>T (NM_016434.4).
Identifiers: ClinVar variation 1184806 (VCV001184806.8), dbSNP rs2297434, ClinGen allele CA9964281.
Genomic context (GRCh38, chr20:63,662,662, plus strand): 5'-AGAAACAAGAGAGTAACCATCTACAGGTAGGCTCCTGGGCTCCCGCTCCGGCTCAGTGTC[C>T]GACAGGCGAGTGCTGCTGGGTGTCCAGAGCCCCAGGCTGCGCTCCCGCTGGGCTAGGGTT-3'

ClinVar aggregate classification (germline): Benign. Review status: criteria provided, multiple submitters, no conflicts (2 of 4 stars). 5 submissions from 4 submitters: Benign (5). Last evaluated 2024-01-24.

Conditions:
Dyskeratosis congenita, autosomal recessive 5 (DKCB5). Identifiers: MedGen C3554656, MONDO:0014076, OMIM 615190.
Pulmonary fibrosis and/or bone marrow failure, Telomere-related, 3. Also called: PULMONARY FIBROSIS AND/OR BONE MARROW FAILURE SYNDROME, TELOMERE-RELATED, 3. Identifiers: Orphanet 2032, MedGen C4225346, MONDO:0014613, OMIM 616373.

Allele frequency attached by ClinVar (database versions not stated): 1000 Genomes Project 0.34165; 1000 Genomes Project 30x 0.34510; TOPMed 0.43511; gnomAD exomes 0.43859 and 0.47064; ExAC 0.44249; gnomAD 0.44885 and 0.45720; ESP Exome Variant Server 0.45847.

Submissions (5):

Unidad de Genómica Garrahan, Hospital de Pediatría Garrahan
Classification: Benign. Last evaluated: 2024-01-24. Review status: criteria provided, single submitter. Criteria: ACMG Guidelines, 2015. Collection method: clinical testing. Allele origin: germline. Affected: no. Observed: 72 variant alleles.
Comment: This variant is classified as Benign based on local population frequency. This variant was detected in 76% of patients studied by a panel of primary immunodeficiencies. Number of patients: 72. Only high quality variants are reported.

Genome-Nilou Lab
Classification: Benign for Dyskeratosis congenita, autosomal recessive 5. Last evaluated: 2021-07-10. Review status: criteria provided, single submitter. Criteria: ACMG Guidelines, 2015. Collection method: clinical testing. Allele origin: germline. Affected: no.

Genome-Nilou Lab
Classification: Benign for Pulmonary fibrosis and/or bone marrow failure, Telomere-related, 3. Last evaluated: 2021-07-10. Review status: criteria provided, single submitter. Criteria: ACMG Guidelines, 2015. Collection method: clinical testing. Allele origin: germline. Affected: no.

GeneDx
Classification: Benign. Last evaluated: 2018-11-27. Review status: criteria provided, single submitter. Criteria: GeneDx Variant Classification Process June 2021. Collection method: clinical testing. Allele origin: germline. Affected: yes.

Breakthrough Genomics
Classification: Benign. Review status: criteria provided, single submitter. Criteria: ACMG Guidelines, 2015. Collection method: not provided. Allele origin: germline. Inheritance: Autosomal recessive inheritance. Affected: yes.